The following is an entry in ClinVar:

ClinVar aggregate classification (germline): Uncertain significance (1 of 4 stars; one submission).

Conditions:
Early-infantile DEE. Also called: Ohtahara syndrome; Early infantile epileptic encephalopathy; Early infantile epileptic encephalopathy with suppression bursts. Identifiers: Orphanet 1934, MedGen C0393706, MONDO:0800491.

gnomAD v4.1: 19 of 1,528,044 alleles (0.0012%); highest among the groups gnomAD compares: Admixed American, 0.01%; no homozygotes.

Submission:

Labcorp Genetics (formerly Invitae), Labcorp
Classification: Uncertain significance for Early-infantile DEE. Last evaluated: 2025-05-11. Review status: criteria provided, single submitter. Criteria: Invitae Variant Classification Sherloc (09022015). Collection method: clinical testing. Allele origin: germline.
Comment: This sequence change replaces glutamine, which is neutral and polar, with glutamic acid, which is acidic and polar, at codon 964 of the KCNH5 protein (p.Gln964Glu). This variant is present in population databases (rs753525158, gnomAD 0.02%). This variant has not been reported in the literature in individuals affected with KCNH5-related conditions. ClinVar contains an entry for this variant (Variation ID: 568811). Invitae Evidence Modeling of protein sequence and biophysical properties (such as structural, functional, and spatial information, amino acid conservation, physicochemical variation, residue mobility, and thermodynamic stability) indicates that this missense variant is not expected to disrupt KCNH5 protein function with a negative predictive value of 95%. In summary, the available evidence is currently insufficient to determine the role of this variant in disease. Therefore, it has been classified as a Variant of Uncertain Significance.

NM_139318.5(KCNH5):c.2890C>G (p.Gln964Glu)

Gene: KCNH5 (potassium voltage-gated channel subfamily H member 5; minus strand). Cytogenetic location: 14q23.2.
Variant type: single nucleotide variant.
Coding change: c.2890C>G on transcript NM_139318.5 (MANE Select); coding-DNA position 2890, C replaced by G.
Protein change: p.Gln964Glu; replaces glutamine 964 with glutamic acid.
Molecular consequence: missense variant. On other transcripts: 3 prime UTR variant (1).
Genome position (GRCh38, 1-based): chr14:62,707,585, G>C on the plus strand (C>G on the coding strand, the complement: KCNH5 is on the minus strand). VCF-style: chr14-62707585-G-C. GRCh37 (hg19) VCF-style: chr14-63174303-G-C.
Other names: c.*857C>G (NM_172375.3); short protein forms Q964E.
Identifiers: ClinVar variation 568811 (VCV000568811.9), dbSNP rs753525158, ClinGen allele CA7217158.